The following is an entry in ClinVar:

NM_005359.6(SMAD4):c.*1874C>G

Gene: SMAD4 (SMAD family member 4; plus strand). Cytogenetic location: 18q21.2.
Variant type: single nucleotide variant.
Coding change: c.*1874C>G on transcript NM_005359.6 (MANE Select); 1874 bases downstream of the stop codon, C replaced by G.
Molecular consequence: 3 prime UTR variant.
Genome position (GRCh38, 1-based): chr18:51,080,341, C>G. VCF-style: chr18-51080341-C-G. GRCh37 (hg19) VCF-style: chr18-48606711-C-G.
Identifiers: ClinVar variation 888706 (VCV000888706.33), dbSNP rs761701805, ClinGen allele CA300090533.
Genomic context (GRCh38, chr18:51,080,341, plus strand): 5'-TTGTCTTTAAATAACTTATCTACCACCTCATTTGTACTCTTGATTACTTACAAATTCTTT[C>G]AGTAAACACCTAATTTTCTTCTGTAAAAGTTTGGTGATTTAAGTTTTATTGGCAGTTTTA-3'

ClinVar aggregate classification (germline): Conflicting classifications of pathogenicity. Review status: criteria provided, conflicting classifications (1 of 4 stars). 4 submissions from 2 submitters: Uncertain significance (3); Likely benign (1). Last evaluated 2023-05-01.

Conditions:
Juvenile polyposis/hereditary hemorrhagic telangiectasia syndrome (JPHT). Also called: Juvenile Polyposis Syndrome / Hereditary Hemorrhagic Telangiectasia (JPS/HHT); JP/HHT SYNDROME; JUVENILE POLYPOSIS WITH HEREDITARY HEMORRHAGIC TELANGIECTASIA; POLYPOSIS, GENERALIZED JUVENILE, WITH PULMONARY ARTERIOVENOUS MALFORMATION; TELANGIECTASIA, HEREDITARY HEMORRHAGIC, WITH JUVENILE POLYPOSIS COLI. Identifiers: Orphanet 2929, MedGen C1832942, MONDO:0008278, OMIM 175050.
Generalized juvenile polyposis/juvenile polyposis coli. Also called: Juvenile polyposis coli. Identifiers: Orphanet 329971, MedGen C1868081, MONDO:0008276.
Myhre syndrome (MYHRS). Also called: LARYNGOTRACHEAL STENOSIS, ARTHROPATHY, PROGNATHISM, AND SHORT STATURE; LAPS SYNDROME. Identifiers: Orphanet 2588, MedGen C0796081, MONDO:0007688, OMIM 139210.

Allele frequency attached by ClinVar (database versions not stated): gnomAD 0.00052 and 0.00053; TOPMed 0.00058; gnomAD exomes 0.00153.
gnomAD v4.1: 206 of 231,814 alleles (0.089%); highest among the groups gnomAD compares: African/African-American, 0.018%; 2 homozygotes.

Submissions (4):

CeGaT Center for Human Genetics Tuebingen
Classification: Likely benign. Last evaluated: 2023-05-01. Review status: criteria provided, single submitter. Criteria: CeGaT Center For Human Genetics Tuebingen Variant Classification Criteria Version 2. Collection method: clinical testing. Allele origin: germline. Affected: yes. Observed: 12 variant alleles.
Comment: SMAD4: BS1

Illumina Laboratory Services, Illumina
Classification: Uncertain significance for Juvenile polyposis/hereditary hemorrhagic telangiectasia syndrome. Last evaluated: 2018-01-12. Review status: criteria provided, single submitter. Criteria: ICSL Variant Classification Criteria 13 December 2019. Collection method: clinical testing. Allele origin: germline.

Illumina Laboratory Services, Illumina
Classification: Uncertain significance for Myhre syndrome. Last evaluated: 2018-01-12. Review status: criteria provided, single submitter. Criteria: ICSL Variant Classification Criteria 13 December 2019. Collection method: clinical testing. Allele origin: germline.

Illumina Laboratory Services, Illumina
Classification: Uncertain significance for Juvenile polyposis syndrome. Last evaluated: 2018-01-12. Review status: criteria provided, single submitter. Criteria: ICSL Variant Classification Criteria 13 December 2019. Collection method: clinical testing. Allele origin: germline.